The following is an entry in ClinVar:

NM_006017.3(PROM1):c.1127C>T (p.Thr376Met)

Gene: PROM1 (prominin 1; minus strand). Cytogenetic location: 4p15.32.
Variant type: single nucleotide variant.
Coding change: c.1127C>T on transcript NM_006017.3 (MANE Select); coding-DNA position 1127, C replaced by T.
Protein change: p.Thr376Met; replaces threonine 376 with methionine.
Molecular consequence: missense variant.
Genome position (GRCh38, 1-based): chr4:16,013,289, G>A on the plus strand (C>T on the coding strand, the complement: PROM1 is on the minus strand). VCF-style: chr4-16013289-G-A. GRCh37 (hg19) VCF-style: chr4-16014912-G-A.
Other names: c.1100C>T, p.Thr367Met (NM_001145847.2, NM_001145848.2, NM_001145851.2 and 4 more transcripts); c.1127C>T, p.Thr376Met (NM_001145849.2, NM_001145850.2); short protein forms T367M, T376M.
Identifiers: ClinVar variation 1003292 (VCV001003292.8), dbSNP rs746672684, ClinGen allele CA2866864.

ClinVar aggregate classification (germline): Uncertain significance (1 of 4 stars; one submission).

Allele frequency attached by ClinVar (database versions not stated): TOPMed below 0.00001; gnomAD exomes 0.00001; ExAC 0.00002.
gnomAD v4.1: 7 of 1,608,088 alleles (0.00044%); highest among the groups gnomAD compares: Admixed American, 0.0017%; no homozygotes.

Submission:

Labcorp Genetics (formerly Invitae), Labcorp
Classification: Uncertain significance. Last evaluated: 2022-01-15. Review status: criteria provided, single submitter. Criteria: Invitae Variant Classification Sherloc (09022015). Collection method: clinical testing. Allele origin: germline.
Comment: In summary, the available evidence is currently insufficient to determine the role of this variant in disease. Therefore, it has been classified as a Variant of Uncertain Significance. Algorithms developed to predict the effect of missense changes on protein structure and function output the following: SIFT: "Tolerated"; PolyPhen-2: "Benign"; Align-GVGD: "Class C0". The methionine amino acid residue is found in multiple mammalian species, which suggests that this missense change does not adversely affect protein function. ClinVar contains an entry for this variant (Variation ID: 1003292). This variant has not been reported in the literature in individuals affected with PROM1-related conditions. This variant is present in population databases (rs746672684, gnomAD 0.005%). This sequence change replaces threonine, which is neutral and polar, with methionine, which is neutral and non-polar, at codon 376 of the PROM1 protein (p.Thr376Met).